The following is an entry in ClinVar:

ClinVar aggregate classification (germline): Uncertain significance (1 of 4 stars; one submission).

Conditions:
Marfan syndrome (MFS). Also called: MARFAN SYNDROME, TYPE I; Marfan syndrome type 1; Marfan's syndrome; Marfan syndrome, classic; FBN1-Related Marfan Syndrome. Identifiers: Orphanet 284963, Orphanet 558, MedGen C0024796, MONDO:0007947, OMIM 154700.
Familial thoracic aortic aneurysm and aortic dissection (TAAD). Also called: Thoracic aortic aneurysms and dissections. Identifiers: Orphanet 91387, MedGen C4707243, MONDO:0019625.

Submission:

Labcorp Genetics (formerly Invitae), Labcorp
Classification: Uncertain significance for Marfan syndrome; Familial thoracic aortic aneurysm and aortic dissection. Last evaluated: 2024-02-17. Review status: criteria provided, single submitter. Criteria: Invitae Variant Classification Sherloc (09022015). Collection method: clinical testing. Allele origin: germline.
Comment: This sequence change replaces histidine, which is basic and polar, with tyrosine, which is neutral and polar, at codon 1924 of the FBN1 protein (p.His1924Tyr). This variant is not present in population databases (gnomAD no frequency). This variant has not been reported in the literature in individuals affected with FBN1-related conditions. Advanced modeling of protein sequence and biophysical properties (such as structural, functional, and spatial information, amino acid conservation, physicochemical variation, residue mobility, and thermodynamic stability) has been performed at Invitae for this missense variant, however the output from this modeling did not meet the statistical confidence thresholds required to predict the impact of this variant on FBN1 protein function. In summary, the available evidence is currently insufficient to determine the role of this variant in disease. Therefore, it has been classified as a Variant of Uncertain Significance.

NM_000138.5(FBN1):c.5770C>T (p.His1924Tyr)

Gene: FBN1 (fibrillin 1; minus strand). Cytogenetic location: 15q21.1.
Variant type: single nucleotide variant.
Coding change: c.5770C>T on transcript NM_000138.5 (MANE Select); coding-DNA position 5770, C replaced by T.
Protein change: p.His1924Tyr; replaces histidine 1924 with tyrosine.
Molecular consequence: missense variant.
Genome position (GRCh38, 1-based): chr15:48,446,724, G>A on the plus strand (C>T on the coding strand, the complement: FBN1 is on the minus strand). VCF-style: chr15-48446724-G-A. GRCh37 (hg19) VCF-style: chr15-48738921-G-A.
Other names: c.5770C>T, p.His1924Tyr (NM_001406716.1); short protein forms H1924Y.
Identifiers: ClinVar variation 3748485 (VCV003748485.2).
Genomic context (GRCh38, chr15:48,446,724, plus strand): 5'-AAAACTGACTTCCTTTGCTGATGCACAATTTTGCACACGCACCTATACAGTCATTGTTGT[G>A]AGAAAGGATGAAACCATGATTGCAGCGGCAGTTGAAGGAACCAATTGTGTTCCGGCAAGT-3'
Protein context (NP_000129.3, residues 1914-1934): CRCNHGFILS[His1924Tyr]NNDCIDVDEC